The following is an entry in ClinVar:

NM_031206.7(LAS1L):c.1082C>G (p.Pro361Arg)

Gene: LAS1L (LAS1 like ribosome biogenesis factor; minus strand). Cytogenetic location: Xq12.
Variant type: single nucleotide variant.
Coding change: c.1082C>G on transcript NM_031206.7 (MANE Select); coding-DNA position 1082, C replaced by G.
Protein change: p.Pro361Arg; replaces proline 361 with arginine.
Molecular consequence: missense variant. On other transcripts: non-coding transcript variant (1), intron variant (7).
Genome position (GRCh38, 1-based): chrX:65,524,575, G>C on the plus strand (C>G on the coding strand, the complement: LAS1L is on the minus strand). VCF-style: chrX-65524575-G-C. GRCh37 (hg19) VCF-style: chrX-64744455-G-C.
Other names: c.1082C>G, p.Pro361Arg (NM_001375328.1, NM_001375329.1, NM_001375330.1 and 2 more transcripts); c.917-313C>G (NM_001170650.2); c.137-313C>G (NM_001375332.1); c.1043-313C>G (NM_001375333.1, NM_001170649.2, NM_001375331.1 and 2 more transcripts); short protein forms P361R.
Identifiers: ClinVar variation 464820 (VCV000464820.46), dbSNP rs867562406, ClinGen allele CA329968602.

ClinVar aggregate classification (germline): Conflicting classifications of pathogenicity. Review status: criteria provided, conflicting classifications (1 of 4 stars). 3 submissions from 3 submitters: Uncertain significance (1); Likely benign (2). Last evaluated 2024-03-13.

Conditions:
Wilson-Turner syndrome (WTS). Also called: MENTAL RETARDATION, X-LINKED, SYNDROMIC 6; INTELLECTUAL DEVELOPMENTAL DISORDER, X-LINKED, SYNDROMIC, WILSON-TURNER TYPE. Identifiers: Orphanet 3459, MedGen C1839736, MONDO:0010665, OMIM 309585.

Allele frequency attached by ClinVar (database versions not stated): gnomAD 0.00002; TOPMed 0.00002; gnomAD exomes 0.00006.
gnomAD v4.1: 26 of 525,110 alleles (0.005%); highest among the groups gnomAD compares: Middle Eastern, 0.5%; no homozygotes.

Submissions (3):

Blueprint Genetics
Classification: Likely benign. Last evaluated: 2024-03-13. Review status: criteria provided, single submitter. Criteria: ACMG Guidelines, 2015. Collection method: clinical testing. Allele origin: germline.

CeGaT Center for Human Genetics Tuebingen
Classification: Likely benign. Last evaluated: 2024-02-01. Review status: criteria provided, single submitter. Criteria: CeGaT Center For Human Genetics Tuebingen Variant Classification Criteria Version 2. Collection method: clinical testing. Allele origin: germline. Affected: yes. Observed: 3 variant alleles.
Comment: LAS1L: BP4, BS2

Labcorp Genetics (formerly Invitae), Labcorp
Classification: Uncertain significance for Wilson-Turner syndrome. Last evaluated: 2019-07-05. Review status: criteria provided, single submitter. Criteria: Invitae Variant Classification Sherloc (09022015). Collection method: clinical testing. Allele origin: germline.
Comment: This sequence change replaces proline with arginine at codon 361 of the LAS1L protein (p.Pro361Arg). The proline residue is weakly conserved and there is a moderate physicochemical difference between proline and arginine. This variant is not present in population databases (ExAC no frequency). This variant has not been reported in the literature in individuals with LAS1L-related disease. Algorithms developed to predict the effect of missense changes on protein structure and function (SIFT, PolyPhen-2, Align-GVGD) all suggest that this variant is likely to be tolerated, but these predictions have not been confirmed by published functional studies and their clinical significance is uncertain. In summary, the available evidence is currently insufficient to determine the role of this variant in disease. Therefore, it has been classified as a Variant of Uncertain Significance.